The following is an entry in ClinVar:

ClinVar aggregate classification (germline): Benign (0 of 4 stars; one submission).

Conditions:
LRMDA-related disorder. Also called: LRMDA-related condition.

Allele frequency attached by ClinVar (database versions not stated): TOPMed 0.00031; gnomAD 0.00041; ExAC 0.00108; 1000 Genomes Project 0.00140; 1000 Genomes Project 30x 0.00141.
gnomAD v4.1: 389 of 1,550,516 alleles (0.025%); highest among the groups gnomAD compares: East Asian, 0.43%; 4 homozygotes.

Submission:

PreventionGenetics, part of Exact Sciences
Classification: Benign for LRMDA-related condition. Last evaluated: 2019-06-18. Review status: no assertion criteria provided. Collection method: clinical testing. Allele origin: germline.
Comment: This variant is classified as benign based on ACMG/AMP sequence variant interpretation guidelines (Richards et al. 2015 PMID: 25741868, with internal and published modifications).

NM_001305581.2(LRMDA):c.124C>T (p.Leu42Phe)

Gene: LRMDA (leucine rich melanocyte differentiation associated; plus strand). Cytogenetic location: 10q22.2.
Variant type: single nucleotide variant.
Coding change: c.124C>T on transcript NM_001305581.2 (MANE Select); coding-DNA position 124, C replaced by T.
Protein change: p.Leu42Phe; replaces leucine 42 with phenylalanine.
Molecular consequence: missense variant.
Genome position (GRCh38, 1-based): chr10:75,438,487, C>T. VCF-style: chr10-75438487-C-T. GRCh37 (hg19) VCF-style: chr10-77198245-C-T.
Other names: short protein forms L42F.
Identifiers: ClinVar variation 3034272 (VCV003034272.2), dbSNP rs138137159, ClinGen allele CA5567447.